The following is an entry in ClinVar:

ClinVar aggregate classification (germline): Conflicting classifications of pathogenicity. Review status: criteria provided, conflicting classifications (1 of 4 stars). 2 submissions from 2 submitters: Uncertain significance (1); Likely benign (1). Last evaluated 2026-04-10.

Conditions:
Hereditary cancer-predisposing syndrome. Also called: Hereditary Cancer Syndrome; Neoplastic Syndromes, Hereditary; Tumor predisposition; Hereditary neoplastic syndrome. Identifiers: Orphanet 140162, MedGen C0027672, MeSH D009386, MONDO:0015356.
Neuroblastoma, susceptibility to, 3. Also called: ALK-Related Neuroblastic Tumor Susceptibility. Identifiers: Orphanet 635, MedGen C2751681, MONDO:0013083, OMIM 613014.

Allele frequency attached by ClinVar (database versions not stated): TOPMed below 0.00001.
gnomAD v4.1: 16 of 1,614,170 alleles (0.00099%); highest among the groups gnomAD compares: Non-Finnish European, 0.000085%; no homozygotes.

Submissions (2):

Ambry Genetics
Classification: Likely benign for Hereditary cancer-predisposing syndrome. Last evaluated: 2026-04-10. Review status: criteria provided, single submitter. Criteria: Ambry Variant Classification Scheme 2023. Collection method: clinical testing. Allele origin: germline.

Labcorp Genetics (formerly Invitae), Labcorp
Classification: Uncertain significance for Neuroblastoma, susceptibility to, 3. Last evaluated: 2021-10-06. Review status: criteria provided, single submitter. Criteria: Invitae Variant Classification Sherloc (09022015). Collection method: clinical testing. Allele origin: germline.
Comment: In summary, the available evidence is currently insufficient to determine the role of this variant in disease. Therefore, it has been classified as a Variant of Uncertain Significance. Algorithms developed to predict the effect of missense changes on protein structure and function are either unavailable or do not agree on the potential impact of this missense change (SIFT: "Deleterious"; PolyPhen-2: "Probably Damaging"; Align-GVGD: "Class C15"). This variant has not been reported in the literature in individuals affected with ALK-related conditions. This variant is present in population databases (rs771570579, ExAC 0.03%). This sequence change replaces glycine with tryptophan at codon 1552 of the ALK protein (p.Gly1552Trp). The glycine residue is highly conserved and there is a large physicochemical difference between glycine and tryptophan.

NM_004304.5(ALK):c.4654G>T (p.Gly1552Trp)

Gene: ALK (ALK receptor tyrosine kinase; minus strand). Cytogenetic location: 2p23.2.
Variant type: single nucleotide variant.
Coding change: c.4654G>T on transcript NM_004304.5 (MANE Select); coding-DNA position 4654, G replaced by T.
Protein change: p.Gly1552Trp; replaces glycine 1552 with tryptophan.
Molecular consequence: missense variant.
Genome position (GRCh38, 1-based): chr2:29,193,433, C>A on the plus strand (G>T on the coding strand, the complement: ALK is on the minus strand). VCF-style: chr2-29193433-C-A. GRCh37 (hg19) VCF-style: chr2-29416299-C-A.
Other names: c.1450G>T, p.Gly484Trp (NM_001353765.2); short protein forms G484W, G1552W.
Identifiers: ClinVar variation 941563 (VCV000941563.8), dbSNP rs771570579, ClinGen allele CA1593520.